The following is an entry in ClinVar:

NM_144672.4(OTOA):c.1630-5C>T

Gene: OTOA (otoancorin). Cytogenetic location: 16p12.2.
Variant type: single nucleotide variant.
Coding change: c.1630-5C>T on transcript NM_144672.4 (MANE Select); 5 bases into the intron before coding-DNA position 1630, C replaced by T.
Molecular consequence: intron variant.
Genome position (GRCh38, 1-based): chr16:21,719,128, C>T. VCF-style: chr16-21719128-C-T. GRCh37 (hg19) VCF-style: chr16-21730449-C-T.
Other names: p.?; c.1393-5C>T (NM_001161683.2); c.658-5C>T (NM_170664.3).
Identifiers: ClinVar variation 47952 (VCV000047952.23), dbSNP rs215901, ClinGen allele CA142247.

ClinVar aggregate classification (germline): Benign/Likely benign. Review status: criteria provided, multiple submitters, no conflicts (2 of 4 stars). 10 submissions from 10 submitters: Benign (7); Likely benign (1). 2 of the submissions do not count toward it. Last evaluated 2026-02-04.

Conditions:
Autosomal recessive nonsyndromic hearing loss 22. Identifiers: Orphanet 90636, MedGen C1846896, MONDO:0011762, OMIM 607039.

Allele frequency attached by ClinVar (database versions not stated): 1000 Genomes Project 30x 0.57495; 1000 Genomes Project 0.57668; TOPMed 0.62141; gnomAD exomes 0.62504 and 0.65788; gnomAD 0.62768 and 0.62795; ExAC 0.63197; ESP Exome Variant Server 0.64110.
gnomAD v4.1: 1,055,032 of 1,611,852 alleles (65%); highest among the groups gnomAD compares: Middle Eastern, 72%; 347,703 homozygotes.

Submissions (10):

Labcorp Genetics (formerly Invitae), Labcorp
Classification: Benign. Last evaluated: 2026-02-04. Review status: criteria provided, single submitter. Criteria: Invitae Variant Classification Sherloc (09022015). Collection method: clinical testing. Allele origin: germline.

Blueprint Genetics
Classification: Likely benign. Last evaluated: 2024-11-27. Review status: criteria provided, single submitter. Criteria: ACMG Guidelines, 2015. Collection method: clinical testing. Allele origin: germline.

Genome-Nilou Lab
Classification: Benign for Autosomal recessive nonsyndromic hearing loss 22. Last evaluated: 2021-09-05. Review status: criteria provided, single submitter. Criteria: ACMG Guidelines, 2015. Collection method: clinical testing. Allele origin: germline. Affected: no.

Mayo Clinic Laboratories, Mayo Clinic
Classification: Benign. Last evaluated: 2020-08-28. Review status: criteria provided, single submitter. Criteria: ACMG Guidelines, 2015. Collection method: clinical testing. Allele origin: germline. Observed: 132 variant alleles.

GeneDx
Classification: Benign. Last evaluated: 2017-05-09. Review status: criteria provided, single submitter. Criteria: GeneDx Variant Classification (06012015). Collection method: clinical testing. Allele origin: germline. Affected: yes.
Comment: This variant is considered likely benign or benign based on one or more of the following criteria: it is a conservative change, it occurs at a poorly conserved position in the protein, it is predicted to be benign by multiple in silico algorithms, and/or has population frequency not consistent with disease.

Laboratory for Molecular Medicine, Mass General Brigham Personalized Medicine
Classification: Benign. Last evaluated: 2012-05-07. Review status: criteria provided, single submitter. Criteria: LMM Criteria. Collection method: clinical testing. Allele origin: germline. Observed: 1,382 variant alleles.
Comment: 1630-5C>T in Intron 14 of OTOA: This variant is not expected to have clinical si gnificance because it has been identified in 40.7% (1520/3738) of African Americ an chromosomes from a broad population by the NHLBI Exome Sequencing Project (dbSNP rs215901).

Breakthrough Genomics
Classification: Benign. Review status: criteria provided, single submitter. Criteria: ACMG Guidelines, 2015. Collection method: not provided. Allele origin: germline. Inheritance: Autosomal recessive inheritance. Affected: yes.

PreventionGenetics, part of Exact Sciences
Classification: Benign. Review status: criteria provided, single submitter. Criteria: ACMG Guidelines, 2015. Collection method: clinical testing. Allele origin: germline.

Diagnostic Laboratory, Department of Genetics, University Medical Center Groningen
Classification: Benign. Review status: no assertion criteria provided. Collection method: clinical testing. Allele origin: germline. Affected: yes. Study: VKGL Data-share Consensus. Not counted in ClinVar's aggregate classification.

Joint Genome Diagnostic Labs from Nijmegen and Maastricht, Radboudumc and MUMC+
Classification: Benign. Review status: no assertion criteria provided. Collection method: clinical testing. Allele origin: germline. Affected: yes. Study: VKGL Data-share Consensus. Not counted in ClinVar's aggregate classification.